The following is an entry in ClinVar:

ClinVar aggregate classification (germline): Likely benign (1 of 4 stars; one submission).

Allele frequency attached by ClinVar (database versions not stated): gnomAD 0.00538; TOPMed 0.00600; 1000 Genomes Project 0.00719; 1000 Genomes Project 30x 0.00734.
gnomAD v4.1: 1,649 of 1,601,472 alleles (0.1%); highest among the groups gnomAD compares: African/African-American, 1.9%; 18 homozygotes.

Submission:

GeneDx
Classification: Likely benign. Last evaluated: 2019-02-18. Review status: criteria provided, single submitter. Criteria: GeneDx Variant Classification Process June 2021. Collection method: clinical testing. Allele origin: germline. Affected: yes.
Comment: See Variant Classification Assertion Criteria.

NM_000350.3(ABCA4):c.4129-59G>A

Gene: ABCA4 (ATP binding cassette subfamily A member 4; minus strand). Cytogenetic location: 1p22.1.
Variant type: single nucleotide variant.
Coding change: c.4129-59G>A on transcript NM_000350.3 (MANE Select); 59 bases into the intron before coding-DNA position 4129, G replaced by A.
Molecular consequence: intron variant.
Genome position (GRCh38, 1-based): chr1:94,031,179, C>T on the plus strand (G>A on the coding strand, the complement: ABCA4 is on the minus strand). VCF-style: chr1-94031179-C-T. GRCh37 (hg19) VCF-style: chr1-94496735-C-T.
Identifiers: ClinVar variation 1707150 (VCV001707150.2), dbSNP rs148965388, ClinGen allele CA26855088.